The following is an entry in ClinVar:

NM_005506.4(SCARB2):c.299T>C (p.Ile100Thr)

Gene: SCARB2 (scavenger receptor class B member 2; minus strand). Cytogenetic location: 4q21.1.
Variant type: single nucleotide variant.
Coding change: c.299T>C on transcript NM_005506.4 (MANE Select); coding-DNA position 299, T replaced by C.
Protein change: p.Ile100Thr; replaces isoleucine 100 with threonine.
Molecular consequence: missense variant. On other transcripts: intron variant (1).
Genome position (GRCh38, 1-based): chr4:76,181,078, A>G on the plus strand (T>C on the coding strand, the complement: SCARB2 is on the minus strand). VCF-style: chr4-76181078-A-G. GRCh37 (hg19) VCF-style: chr4-77102231-A-G.
Other names: c.276-5168T>C (NM_001204255.2); short protein forms I100T.
Identifiers: ClinVar variation 1063066 (VCV001063066.9), dbSNP rs2109948743, ClinGen allele CA357327350.

ClinVar aggregate classification (germline): Uncertain significance. Review status: criteria provided, multiple submitters, no conflicts (2 of 4 stars). 2 submissions from 2 submitters: Uncertain significance (2). Last evaluated 2024-05-24.

Conditions:
Progressive myoclonic epilepsy. Also called: Familial progressive myoclonic epilepsy; Myoclonus epilepsy; Progressive myoclonus epilepsy; Myoclonic Epilepsies, Progressive. Identifiers: Orphanet 308, Orphanet 98261, MedGen C0751778, MONDO:0020074.
Action myoclonus-renal failure syndrome. Also called: MYOCLONUS-NEPHROPATHY SYNDROME; SCARB2-Related Action Myoclonus-Renal Failure Syndrome; EPILEPSY, PROGRESSIVE MYOCLONIC, 4, WITH RENAL FAILURE; EPILEPSY, PROGRESSIVE MYOCLONIC, 4, WITHOUT RENAL FAILURE. Identifiers: Orphanet 163696, MedGen C0751779, MeSH D020191, MONDO:0009699, OMIM 254900.

Allele frequency attached by ClinVar (database versions not stated): gnomAD exomes 0.00001.
gnomAD v4.1: 4 of 1,613,776 alleles (0.00025%); highest among the groups gnomAD compares: East Asian, 0.0022%; no homozygotes.

Submissions (2):

Fulgent Genetics
Classification: Uncertain significance for Action myoclonus-renal failure syndrome. Last evaluated: 2024-05-24. Review status: criteria provided, single submitter. Criteria: ACMG Guidelines, 2015. Collection method: clinical testing. Allele origin: germline.

Labcorp Genetics (formerly Invitae), Labcorp
Classification: Uncertain significance for Progressive myoclonic epilepsy. Last evaluated: 2020-03-14. Review status: criteria provided, single submitter. Criteria: Invitae Variant Classification Sherloc (09022015). Collection method: clinical testing. Allele origin: germline.
Comment: In summary, the available evidence is currently insufficient to determine the role of this variant in disease. Therefore, it has been classified as a Variant of Uncertain Significance. This sequence change replaces isoleucine with threonine at codon 100 of the SCARB2 protein (p.Ile100Thr). The isoleucine residue is moderately conserved and there is a moderate physicochemical difference between isoleucine and threonine. This variant is not present in population databases (ExAC no frequency). This variant has not been reported in the literature in individuals with SCARB2-related conditions. Algorithms developed to predict the effect of missense changes on protein structure and function (SIFT, PolyPhen-2, Align-GVGD) all suggest that this variant is likely to be disruptive, but these predictions have not been confirmed by published functional studies and their clinical significance is uncertain.